The following is an entry in ClinVar:

ClinVar aggregate classification (germline): Conflicting classifications of pathogenicity. Review status: criteria provided, conflicting classifications (1 of 4 stars). 3 submissions from 1 submitter: Uncertain significance (1); Benign (2). Last evaluated 2018-01-13.

Conditions:
Paroxysmal extreme pain disorder (PEXPD). Also called: PAIN, SUBMANDIBULAR, OCULAR, AND RECTAL, WITH FLUSHING; RECTAL PAIN, FAMILIAL; SCN9A Paroxysmal Extreme Pain Disorder (SCN9A-PEPD). Identifiers: Orphanet 46348, MedGen C1833661, MONDO:0008179, OMIM 167400.
Primary erythromelalgia. Also called: SCN9A Erythromelalgia (SCN9A-EM); primary erythermalgia. Identifiers: Orphanet 306577, Orphanet 90026, MedGen C0014805, MONDO:0007571, OMIM 133020.
Channelopathy-associated congenital insensitivity to pain, autosomal recessive. Also called: Insensitivity to pain, channelopathy-associated; ASYMBOLIA FOR PAIN; CONGENITAL ANALGESIA, AUTOSOMAL RECESSIVE. Identifiers: Orphanet 88642, Orphanet 970, MedGen C1855739, MONDO:0009459, OMIM 243000.

Allele frequency attached by ClinVar (database versions not stated): 1000 Genomes Project 30x 0.00031; TOPMed 0.00036; 1000 Genomes Project 0.00040; gnomAD 0.00085 and 0.00091.

Submissions (3):

Illumina Laboratory Services, Illumina
Classification: Benign for Paroxysmal extreme pain disorder. Last evaluated: 2018-01-13. Review status: criteria provided, single submitter. Criteria: ICSL Variant Classification Criteria 13 December 2019. Collection method: clinical testing. Allele origin: germline.
Comment: This variant was observed in the ICSL laboratory as part of a predisposition screen in an ostensibly healthy population. It had not been previously curated by ICSL or reported in the Human Gene Mutation Database (HGMD: prior to June 1st, 2018), and was therefore a candidate for classification through an automated scoring system. Utilizing variant allele frequency, disease prevalence and penetrance estimates, and inheritance mode, an automated score was calculated to assess if this variant is too frequent to cause the disease. Based on the score and internal cut-off values, a variant classified as benign is not then subjected to further curation. The score for this variant resulted in a classification of benign for this disease.

Illumina Laboratory Services, Illumina
Classification: Benign for Primary erythromelalgia. Last evaluated: 2018-01-13. Review status: criteria provided, single submitter. Criteria: ICSL Variant Classification Criteria 13 December 2019. Collection method: clinical testing. Allele origin: germline.
Comment: the same text as in the submission from Illumina Laboratory Services, Illumina above.

Illumina Laboratory Services, Illumina
Classification: Uncertain significance for Channelopathy-associated congenital insensitivity to pain, autosomal recessive. Last evaluated: 2018-01-13. Review status: criteria provided, single submitter. Criteria: ICSL Variant Classification Criteria 13 December 2019. Collection method: clinical testing. Allele origin: germline.

NM_001365536.1(SCN9A):c.*2191G>A

Genes: SCN9A (sodium voltage-gated channel alpha subunit 9; minus strand), SCN1A-AS1 (SCN1A and SCN9A antisense RNA 1; plus strand). Cytogenetic location: 2q24.3.
Variant type: single nucleotide variant.
Coding change: c.*2191G>A on transcript NM_001365536.1 (MANE Select); 2191 bases downstream of the stop codon, G replaced by A.
Molecular consequence: 3 prime UTR variant.
Genome position (GRCh38, 1-based): chr2:166,196,481, C>T on the plus strand (G>A on the coding strand, the complement: SCN9A is on the minus strand). VCF-style: chr2-166196481-C-T. GRCh37 (hg19) VCF-style: chr2-167052991-C-T.
Other names: c.*2191G>A (NM_002977.4).
Identifiers: ClinVar variation 331918 (VCV000331918.6), dbSNP rs201184093, ClinGen allele CA10612768.